The following is an entry in ClinVar:

ClinVar aggregate classification (germline): Pathogenic/Likely pathogenic. Review status: criteria provided, multiple submitters, no conflicts (2 of 4 stars). 7 submissions from 7 submitters: Pathogenic (2); Likely pathogenic (5). Last evaluated 2025-08-29.

Conditions:
ALPL-related disorder. Also called: ALPL-related condition; ALPL-related disorders.
Hypophosphatasia. Also called: Phosphoethanol-aminuria. Identifiers: Orphanet 436, MedGen C0020630, MeSH D007014, MONDO:0018570.
Osteogenesis imperfecta (OI). Identifiers: Orphanet 666, MedGen C0029434, MeSH D010013, MONDO:0019019.
Infantile hypophosphatasia. Identifiers: Orphanet 247651, Orphanet 436, MedGen C0268412, MONDO:1010169, OMIM 241500, MONDO:0009427.
Adult hypophosphatasia. Identifiers: Orphanet 247676, Orphanet 436, MedGen C0268413, MONDO:1010154, OMIM 146300, MONDO:0007798.
Childhood hypophosphatasia. Identifiers: Orphanet 247667, Orphanet 436, MedGen C0220743, MONDO:1010168, OMIM 241510, MONDO:0009428.

Allele frequency attached by ClinVar (database versions not stated): gnomAD exomes below 0.00001 and 0.00001; ExAC 0.00001.
gnomAD v4.1: 13 of 1,614,056 alleles (0.00081%); highest among the groups gnomAD compares: Non-Finnish European, 0.0011%; no homozygotes.

Submissions (7):

Genomenon, Inc
Classification: Likely pathogenic for Hypophosphatasia. Last evaluated: 2025-08-29. Review status: criteria provided, single submitter. Criteria: Genomenon Sequence Variant Interpretation Standards. Collection method: curation. Allele origin: germline. Affected: yes.
Comment: ALPL c.980T>G is a missense variant that changes the amino acid at residue 327 from Phenylalanine to Cysteine. This variant has been observed in at least one proband affected with hypophosphatasia (PMID:28401263). It is absent or not present at a significant frequency in gnomAD. In silico models agree that this variant is possibly or probably damaging. The presence of pathogenic missense variant(s) at the same amino acid position indicates that this residue is likely important for protein function. In conclusion, we classify ALPL p.Phe327Cys (c.980T>G) as a likely pathogenic variant.

Victorian Clinical Genetics Services, Murdoch Childrens Research Institute
Classification: Pathogenic for Adult hypophosphatasia. Last evaluated: 2024-09-20. Review status: criteria provided, single submitter. Criteria: ACMG Guidelines, 2015. Collection method: clinical testing. Allele origin: germline. Affected: no.
Comment: Based on the classification scheme VCGS_Germline_v1.3.4, this variant is classified as Pathogenic. Following criteria are met: 0103 - Dominant negative and loss of function are known mechanisms of disease in this gene. Late-onset/mild disease is associated with monoallelic dominant negative variants or biallelic loss of function variants that retain residual enzyme activity, while early-onset/severe disease is caused by more complete loss of function variants (PMID: 20301329, 19500388). (I) 0108 - This gene is associated with both recessive and dominant disease. Severe forms of hypophosphatasia (perinatal and infantile) are generally associated with autosomal recessive disease, while the milder forms of hypophosphatasia (childhood, adult and odontohypophosphatasia) have been associated with both autosomal dominant and recessive disease (PMID: 19500388, 23688511). (I) 0112 - The condition associated with this gene has incomplete penetrance (PMID: 20301329). (I) 0115 - Variants in this gene are known to have variable expressivity (PMID: 20301329). (I) 0200 - Variant is predicted to result in a missense amino acid change from phenylalanine to cysteine. (I) 0251 - This variant is heterozygous. (I) 0304 - Variant is present in gnomAD (v2) <0.01 (1 heterozygote, 0 homozygotes). (SP) 0309 - An alternative amino acid change at the same position has been observed in gnomAD (v2) (21 heterozygotes, 0 homozygotes). (I) 0501 - Missense variant consistently predicted to be damaging by multiple in silico tools or highly conserved with a major amino acid change. (SP) 0600 - Variant is located in the annotated alkaline phosphatase domain (DECIPHER). (I) 0701 - Other missense variants comparable to the one identified in this case have very strong previous evidence for pathogenicity. p.(Phe327Leu) has been classified as pathogenic and likely pathogenic in multiple ClinVar entries. This variant has also been identified in at least three individuals with persistent hypophosphatasaemia or hypophosphatasia (PMID: 11395499, 12412800, 28401263). p.(Phe327Ser) has been identified in an individual with low ALP levels (PMID: 21956185). p.(Phe327Gly) has also been identified in two compound heterozygote individuals with adult hypophosphatasia (PMID: 32160374). (SP) 0801 - This variant has strong previous evidence of pathogenicity in unrelated individuals. This variant has been observed in multiple individuals with persistent hypophosphatasaemia, hypophosphatasia or low alkaline phosphatase. These individuals have been heterozygous or compound heterozygous for this variant (ClinVar, personal communication; PMID: 11395499, 28401263). (SP) 1007 - No published functional evidence has been identified for this variant. (I) 1208 - Inheritance information for this variant is not currently available in this individual. (I) Legend: (SP) - Supporting pathogenic, (I) - Information, (SB) - Supporting benign

Labcorp Genetics (formerly Invitae), Labcorp
Classification: Pathogenic. Last evaluated: 2024-05-20. Review status: criteria provided, single submitter. Criteria: Invitae Variant Classification Sherloc (09022015). Collection method: clinical testing. Allele origin: germline.
Comment: This sequence change replaces phenylalanine, which is neutral and non-polar, with cysteine, which is neutral and slightly polar, at codon 327 of the ALPL protein (p.Phe327Cys). This variant is present in population databases (rs779832611, gnomAD 0.0009%). This missense change has been observed in individual(s) with clinical features of hypophosphatasia (Invitae). This variant is also known as F310C. ClinVar contains an entry for this variant (Variation ID: 1457572). Advanced modeling of protein sequence and biophysical properties (such as structural, functional, and spatial information, amino acid conservation, physicochemical variation, residue mobility, and thermodynamic stability) performed at Invitae indicates that this missense variant is expected to disrupt ALPL protein function with a positive predictive value of 95%. This variant disrupts the p.Phe327 amino acid residue in ALPL. Other variant(s) that disrupt this residue have been determined to be pathogenic (PMID: 8954059, 9814472, 12412800, 15660230). This suggests that this residue is clinically significant, and that variants that disrupt this residue are likely to be disease-causing. For these reasons, this variant has been classified as Pathogenic.

Baylor Genetics
Classification: Likely pathogenic for Adult hypophosphatasia. Last evaluated: 2024-03-26. Review status: criteria provided, single submitter. Criteria: ACMG Guidelines, 2015. Collection method: clinical testing. Allele origin: unknown.

Genome Diagnostics Laboratory, The Hospital for Sick Children
Classification: Likely pathogenic for Osteogenesis imperfecta. Last evaluated: 2022-06-14. Review status: criteria provided, single submitter. Criteria: ACMG Guidelines, 2015. Collection method: clinical testing. Allele origin: germline.

Blueprint Genetics
Classification: Likely pathogenic for ALPL-related disorders. Last evaluated: 2021-11-22. Review status: criteria provided, single submitter. Criteria: ACMG Guidelines, 2015. Collection method: clinical testing. Allele origin: germline. Affected: yes. Observed: 3 variant alleles.

Juno Genomics, Hangzhou Juno Genomics, Inc
Classification: Likely pathogenic for Adult hypophosphatasia; Childhood hypophosphatasia; Infantile hypophosphatasia. Review status: criteria provided, single submitter. Criteria: ACMG Guidelines, 2015. Collection method: clinical testing. Allele origin: germline.
Comment: Absent from controls (or at extremely low frequency if recessive) in Genome Aggregation Database.;Multiple lines of computational evidence support a deleterious effect on the gene or gene product.;Novel missense change at an amino acid residue where a different missense change determined to be pathogenic has been seen before.

Literature cited by the submitters: PubMed 28401263 (cited by Genomenon, Inc and Victorian Clinical Genetics Services, Murdoch Childrens Research Institute); PubMed 11395499 (cited by Victorian Clinical Genetics Services, Murdoch Childrens Research Institute); PubMed 12412800 (cited by Victorian Clinical Genetics Services, Murdoch Childrens Research Institute and Labcorp Genetics (formerly Invitae), Labcorp); PubMed 19500388 (cited by Victorian Clinical Genetics Services, Murdoch Childrens Research Institute); PubMed 20301329 (cited by Victorian Clinical Genetics Services, Murdoch Childrens Research Institute); PubMed 21956185 (cited by Victorian Clinical Genetics Services, Murdoch Childrens Research Institute); PubMed 23688511 (cited by Victorian Clinical Genetics Services, Murdoch Childrens Research Institute); PubMed 32160374 (cited by Victorian Clinical Genetics Services, Murdoch Childrens Research Institute); PubMed 8954059 (cited by Labcorp Genetics (formerly Invitae), Labcorp); PubMed 9814472 (cited by Labcorp Genetics (formerly Invitae), Labcorp); PubMed 15660230 (cited by Labcorp Genetics (formerly Invitae), Labcorp).

NM_000478.6(ALPL):c.980T>G (p.Phe327Cys)

Gene: ALPL (alkaline phosphatase, biomineralization associated; plus strand). Cytogenetic location: 1p36.12.
Variant type: single nucleotide variant.
Coding change: c.980T>G on transcript NM_000478.6 (MANE Select); coding-DNA position 980, T replaced by G.
Protein change: p.Phe327Cys; replaces phenylalanine 327 with cysteine.
Molecular consequence: missense variant.
Genome position (GRCh38, 1-based): chr1:21,573,782, T>G. VCF-style: chr1-21573782-T-G. GRCh37 (hg19) VCF-style: chr1-21900275-T-G.
Other names: c.815T>G, p.Phe272Cys (NM_001127501.4); c.749T>G, p.Phe250Cys (NM_001177520.3); c.980T>G, p.Phe327Cys (NM_001369803.2, NM_001369804.2, NM_001369805.2); short protein forms F272C, F250C, F327C.
Identifiers: ClinVar variation 1457572 (VCV001457572.16), dbSNP rs779832611, ClinGen allele CA666695.